The following is an entry in ClinVar:

ClinVar aggregate classification (germline): Conflicting classifications of pathogenicity. Review status: criteria provided, conflicting classifications (1 of 4 stars). 7 submissions from 7 submitters: Pathogenic (2); Likely pathogenic (3); Uncertain significance (2). Last evaluated 2026-02-10.

Conditions:
PDE6B-related disorder. Also called: PDE6B-related disease; PDE6B-related condition; PDE6B-related disorders.
Retinal dystrophy. Also called: Inherited retinal dystrophy. Identifiers: Orphanet 71862, MedGen C0854723, MeSH D058499, MONDO:0019118, HP:0000556.
Retinitis pigmentosa 40 (RP40). Identifiers: Orphanet 791, MedGen C3151107, MONDO:0013429, OMIM 613801.

Allele frequency attached by ClinVar (database versions not stated): TOPMed 0.00004; ExAC 0.00006; gnomAD 0.00006; gnomAD exomes 0.00006; ESP Exome Variant Server 0.00008; 1000 Genomes Project 30x 0.00016; 1000 Genomes Project 0.00020.

Submissions (7):

PreventionGenetics, part of Exact Sciences
Classification: Likely pathogenic for PDE6B-related condition. Last evaluated: 2026-02-10. Review status: criteria provided, single submitter. Criteria: ACMG Guidelines, 2015. Collection method: clinical testing. Allele origin: germline.
Comment: The PDE6B c.811G>A variant is predicted to result in the amino acid substitution p.Glu271Lys. This variant has been reported in individuals with retinal disease; this variant was described as homozygous or as heterozygous with a second plausible causative variant in several patients, suggesting that this variant is responsible for an autosomal recessive form of disease (Tiwari et al. 2016. PubMed ID: 27353947; Koyanagi et al. 2019. PubMed ID: 31213501; Palmowski-Wolfe et al. 2019. PubMed ID: 30646425; Karali et al. 2022. PubMed ID: 36460718; supplementary data, Lin et al. 2024. PubMed ID: 38219857). This variant is reported in 0.023% of alleles in individuals of Latino descent in gnomAD. Given the evidence, we interpret this variant as likely pathogenic.

Labcorp Genetics (formerly Invitae), Labcorp
Classification: Pathogenic. Last evaluated: 2026-01-02. Review status: criteria provided, single submitter. Criteria: Invitae Variant Classification Sherloc (09022015). Collection method: clinical testing. Allele origin: germline.
Comment: This sequence change replaces glutamic acid, which is acidic and polar, with lysine, which is basic and polar, at codon 271 of the PDE6B protein (p.Glu271Lys). This variant is present in population databases (rs374156343, gnomAD 0.03%). This missense change has been observed in individual(s) with autosomal recessive retinitis pigmentosa (PMID: 27353947, 30646425; internal data). In at least one individual the data is consistent with being in trans (on the opposite chromosome) from a pathogenic variant. ClinVar contains an entry for this variant (Variation ID: 497466). Invitae Evidence Modeling of protein sequence and biophysical properties (such as structural, functional, and spatial information, amino acid conservation, physicochemical variation, residue mobility, and thermodynamic stability) has been performed for this missense variant. However, the output from this modeling did not meet the statistical confidence thresholds required to predict the impact of this variant on PDE6B protein function. For these reasons, this variant has been classified as Pathogenic.

Dasa
Classification: Likely pathogenic for Retinitis pigmentosa 40. Last evaluated: 2025-10-15. Review status: criteria provided, single submitter. Criteria: DASA Assertion Criteria. Collection method: clinical testing. Allele origin: germline.
Comment: NM_000283.4(PDE6B):c.811G>A (p.Glu271Lys) is a missense variant that results in the substitution of glutamic acid with lysine. This variant has been recurrently observed in individuals with Retinitis pigmentosa 40 (PMID: 27353947; PMID: 30646425; PMID: 31213501; PMID: 31964843; PMID: 36460718). Also, this variant is rare in population databases. Based on the currently available evidence, this variant is classified as likely pathogenic.

Dept Of Ophthalmology, Nagoya University
Classification: Uncertain significance for Retinal dystrophy. Last evaluated: 2023-10-01. Review status: criteria provided, single submitter. Criteria: Submitter's publication. Collection method: research. Allele origin: germline. Affected: yes.

Blueprint Genetics
Classification: Pathogenic for PDE6B-related disorders. Last evaluated: 2022-08-02. Review status: criteria provided, single submitter. Criteria: ACMG Guidelines, 2015. Collection method: clinical testing. Allele origin: germline. Affected: yes. Observed: 5 variant alleles.

Institute of Human Genetics, Univ. Regensburg, Univ. Regensburg
Classification: Likely pathogenic for Retinal dystrophy. Last evaluated: 2019-01-01. Review status: criteria provided, single submitter. Criteria: ACMG Guidelines, 2015. Collection method: clinical testing. Allele origin: germline. Affected: yes.

Eurofins Ntd Llc (ga)
Classification: Uncertain significance. Last evaluated: 2016-10-06. Review status: criteria provided, single submitter. Criteria: EGL Classification Definitions 2015. Collection method: clinical testing. Allele origin: germline. Observed: 1 variant allele, 1 heterozygote.

Literature cited by the submitters: PubMed 27353947 (cited by 4 submitters); PubMed 30646425 (cited by Labcorp Genetics (formerly Invitae), Labcorp and Dasa); PubMed 31213501 (cited by Dasa and Institute of Human Genetics, Univ. Regensburg, Univ. Regensburg); PubMed 31964843 (cited by Dasa and Institute of Human Genetics, Univ. Regensburg, Univ. Regensburg); PubMed 36460718 (cited by Dasa and Institute of Human Genetics, Univ. Regensburg, Univ. Regensburg).

NM_000283.4(PDE6B):c.811G>A (p.Glu271Lys)

Genes: PDE6B (phosphodiesterase 6B; plus strand), PDE6B-AS1 (PDE6B antisense RNA 1; minus strand). Cytogenetic location: 4p16.3.
Variant type: single nucleotide variant.
Coding change: c.811G>A on transcript NM_000283.4 (MANE Select); coding-DNA position 811, G replaced by A.
Protein change: p.Glu271Lys; replaces glutamic acid 271 with lysine.
Molecular consequence: missense variant. On other transcripts: 5 prime UTR variant (5).
Genome position (GRCh38, 1-based): chr4:653,951, G>A. VCF-style: chr4-653951-G-A. GRCh37 (hg19) VCF-style: chr4-647740-G-A.
Other names: c.811G>A, p.Glu271Lys (NM_001145291.2); c.-27G>A (NM_001145292.2, NM_001350154.3, NM_001379246.1 and 1 more transcripts); c.-230G>A (NM_001350155.3); short protein forms E271K.
Identifiers: ClinVar variation 497466 (VCV000497466.21), dbSNP rs374156343, ClinGen allele CA2794132.